The following is an entry in ClinVar:

ClinVar aggregate classification (germline): Uncertain significance. Review status: criteria provided, multiple submitters, no conflicts (2 of 4 stars). 3 submissions from 3 submitters: Uncertain significance (3). Last evaluated 2025-02-25.

Conditions:
Acute myeloid leukemia (AML). Also called: Acute myeloid leukemia, adult; AML adult; Acute non-lymphocytic leukemia; Acute granulocytic leukemia; Leukemia, acute myelogenous, somatic; Leukemia, acute myeloid, somatic. Identifiers: Orphanet 519, MedGen C0023467, MeSH D015470, MONDO:0018874, OMIM 601626, HP:0004808. Disease mechanism: Constitutively activated FLT3.
Inborn genetic diseases. Identifiers: MedGen C0950123, MeSH D030342.

Submissions (3):

Ambry Genetics
Classification: Uncertain significance for Inborn genetic diseases. Last evaluated: 2025-02-25. Review status: criteria provided, single submitter. Criteria: Ambry Variant Classification Scheme 2023. Collection method: clinical testing. Allele origin: germline.
Comment: The c.265_267delGAG variant (also known as p.E89del) is located in coding exon 1 of the CEBPA gene. This variant results from an in-frame GAG deletion at nucleotide positions 265 to 267. This results in the in-frame deletion of a glutamic acid at codon 89. This variant was identified amongst 22,659 patients with hematological conditions, but germline origin was not confirmed (Hogg G et al. Cancer Genet, 2023 Nov;278-279:38-49). This amino acid position is not well conserved in available vertebrate species. In addition, the in silico prediction for this alteration is inconclusive (Choi Y et al. PLoS ONE. 2012; 7(10):e46688). Based on the available evidence, the clinical significance of this variant remains unclear.

Labcorp Genetics (formerly Invitae), Labcorp
Classification: Uncertain significance for Acute myeloid leukemia. Last evaluated: 2024-07-09. Review status: criteria provided, single submitter. Criteria: Invitae Variant Classification Sherloc (09022015). Collection method: clinical testing. Allele origin: germline.
Comment: This variant, c.265_267del, results in the deletion of 1 amino acid(s) of the CEBPA protein (p.Glu89del), but otherwise preserves the integrity of the reading frame. This variant is present in population databases (rs747773004, gnomAD 0.003%). This variant has not been reported in the literature in individuals affected with CEBPA-related conditions. ClinVar contains an entry for this variant (Variation ID: 971272). Experimental studies and prediction algorithms are not available or were not evaluated, and the functional significance of this variant is currently unknown. In summary, the available evidence is currently insufficient to determine the role of this variant in disease. Therefore, it has been classified as a Variant of Uncertain Significance.

Baylor Genetics
Classification: Uncertain significance for Acute myeloid leukemia. Last evaluated: 2023-10-18. Review status: criteria provided, single submitter. Criteria: ACMG Guidelines, 2015. Collection method: clinical testing. Allele origin: unknown.

Literature cited by the submitters: PubMed 37586297 (cited by Ambry Genetics).

NM_004364.5(CEBPA):c.265_267del (p.Glu89del)

Gene: CEBPA (CCAAT enhancer binding protein alpha; minus strand). Cytogenetic location: 19q13.11.
Variant type: Deletion.
Coding change: c.265_267del on transcript NM_004364.5 (MANE Select); coding-DNA positions 265 to 267, 3 bases deleted (GAG; older notation c.265_267delGAG).
Protein change: p.Glu89del; deletes glutamic acid 89.
Molecular consequence: inframe deletion. On other transcripts: 5 prime UTR variant (1).
Genome position (GRCh38, 1-based): chr19:33,302,148-33,302,150, CTC deleted on the plus strand (GAG on the coding strand, the reverse complement: CEBPA is on the minus strand); deleting any 3 consecutive bases within chr19:33,302,148-33,302,152 gives the same sequence; the c. name uses the placement nearest the transcript's 3' end. VCF-style (leftmost placement, unchanged base first): chr19-33302147-TCTC-T. GRCh37 (hg19) VCF-style: chr19-33793053-TCTC-T.
Other names: c.-93_-91del (NM_001285829.2); c.370_372del, p.Glu124del (NM_001287424.2); c.223_225del, p.Glu75del (NM_001287435.2); c.265_267delGAG (NM_004364.3); short protein forms E124del, E75del, E89del.
Identifiers: ClinVar variation 971272 (VCV000971272.11), dbSNP rs747773004, ClinGen allele CA9363716.